The following is an entry in ClinVar:

NM_002582.4(PARN):c.657G>A (p.Trp219Ter)

Gene: PARN (poly(A)-specific ribonuclease; minus strand). Cytogenetic location: 16p13.12.
Variant type: single nucleotide variant.
Coding change: c.657G>A on transcript NM_002582.4 (MANE Select); coding-DNA position 657, G replaced by A.
Protein change: p.Trp219Ter; replaces tryptophan 219 with a stop codon.
Molecular consequence: nonsense.
Genome position (GRCh38, 1-based): chr16:14,608,283, C>T on the plus strand (G>A on the coding strand, the complement: PARN is on the minus strand). VCF-style: chr16-14608283-C-T. GRCh37 (hg19) VCF-style: chr16-14702140-C-T.
Other names: c.474G>A, p.Trp158Ter (NM_001134477.3); c.519G>A, p.Trp173Ter (NM_001242992.2); short protein forms W158*, W219*, W173*.
Identifiers: ClinVar variation 857552 (VCV000857552.8), dbSNP rs1363931577, ClinGen allele CA394808563.
Genomic context (GRCh38, chr16:14,608,283, plus strand): 5'-TTTAGTCTTTAAATCCTGGGTCCCCCACAGAGCTGCTGCATACAATATAAATACTTACTT[C>T]CAGCTCAAAGTCTGATAAATTAGTTTTCTTTGGAACCTATAAAAACAAAAGAAAAGGTAT-3'

ClinVar aggregate classification (germline): Pathogenic (1 of 4 stars; one submission).

Conditions:
Dyskeratosis congenita, autosomal recessive 6 (DKCB6). Identifiers: MedGen C4225356, MONDO:0014600, OMIM 616353.
Pulmonary fibrosis and/or bone marrow failure, Telomere-related, 4. Also called: PULMONARY FIBROSIS AND/OR BONE MARROW FAILURE SYNDROME, TELOMERE-RELATED, 4. Identifiers: Orphanet 2032, MedGen C4225347, MONDO:0014612, OMIM 616371.

Allele frequency attached by ClinVar (database versions not stated): gnomAD exomes below 0.00001 and 0.00001.
gnomAD v4.1: 1 of 1,535,720 alleles (0.000065%); highest among the groups gnomAD compares: Non-Finnish European, 0.000088%; no homozygotes.

Submission:

Labcorp Genetics (formerly Invitae), Labcorp
Classification: Pathogenic for Dyskeratosis congenita, autosomal recessive 6; Pulmonary fibrosis and/or bone marrow failure, Telomere-related, 4. Last evaluated: 2019-01-26. Review status: criteria provided, single submitter. Criteria: Invitae Variant Classification Sherloc (09022015). Collection method: clinical testing. Allele origin: germline.
Comment: This variant is not present in population databases (ExAC no frequency). For these reasons, this variant has been classified as Pathogenic. Loss-of-function variants in PARN are known to be pathogenic (PMID: 9736620, 25848748, 26810774). This variant has not been reported in the literature in individuals with PARN-related conditions. This sequence change creates a premature translational stop signal (p.Trp219*) in the PARN gene. It is expected to result in an absent or disrupted protein product.

Literature cited by the submitters: PubMed 9736620; PubMed 25848748; PubMed 26810774.